The following is an entry in ClinVar:

ClinVar aggregate classification (germline): Uncertain significance (1 of 4 stars; one submission).

Conditions:
GNAS-related disorder. Identifiers: MedGen CN380105.

gnomAD v4.1: 32 of 1,611,942 alleles (0.002%); highest among the groups gnomAD compares: Middle Eastern, 0.016%; no homozygotes.

Submission:

PreventionGenetics, part of Exact Sciences
Classification: Uncertain significance for GNAS-related condition. Last evaluated: 2025-02-06. Review status: criteria provided, single submitter. Criteria: ACMG Guidelines, 2015. Collection method: clinical testing. Allele origin: germline.
Comment: The GNAS c.167C>T variant is predicted to result in the amino acid substitution p.Ala56Val. This variant corresponds to a pre-coding position on the primary transcript (NM_000516.7:c.-51454C>T). To our knowledge, this variant has not been reported in the literature. This variant is reported in 0.0056% of alleles in individuals of European (Non-Finnish) descent in gnomAD. At this time, the clinical significance of this variant is uncertain due to the absence of conclusive functional and genetic evidence.

NM_016592.5(GNAS):c.167C>T (p.Ala56Val)

Genes: GNAS (GNAS complex locus; plus strand), GNAS-AS1 (GNAS antisense RNA 1; minus strand). Cytogenetic location: 20q13.32.
Variant type: single nucleotide variant.
Coding change: c.167C>T on transcript NM_016592.5 (MANE Plus Clinical); coding-DNA position 167, C replaced by T.
Protein change: p.Ala56Val; replaces alanine 56 with valine.
Molecular consequence: missense variant. On other transcripts: 5 prime UTR variant (1).
Genome position (GRCh38, 1-based): chr20:58,840,273, C>T. VCF-style: chr20-58840273-C-T. GRCh37 (hg19) VCF-style: chr20-57415328-C-T.
Other names: c.-571C>T (NM_001410912.1); short protein forms A56V.
Identifiers: ClinVar variation 4981246 (VCV004981246.1).